The following is an entry in ClinVar:

ClinVar aggregate classification (germline): Benign/Likely benign. Review status: criteria provided, multiple submitters, no conflicts (2 of 4 stars). 6 submissions from 6 submitters: Benign (3); Likely benign (2). 1 of the submissions does not count toward it. Last evaluated 2024-11-28.

Conditions:
Nonarteritic anterior ischemic optic neuropathy, susceptibility to (NAION). Also called: NAION, SUSCEPTIBILITY TO; OPTIC NEUROPATHY, ANTERIOR ISCHEMIC, SUSCEPTIBILITY TO. Identifiers: MedGen C1847711, MONDO:0009789, OMIM 258660.
Pseudo von Willebrand disease (VWDP). Also called: Platelet-type von Willebrand disease; BLEEDING DISORDER, PLATELET-TYPE, 3. Identifiers: Orphanet 52530, MedGen C1280798, MONDO:0008332, OMIM 177820.
Bernard-Soulier syndrome, type A2, autosomal dominant (BSSA2). Also called: Bernard-Soulier syndrome, type A2 (dominant). Identifiers: Orphanet 274, MedGen C3277076, MONDO:0007930, OMIM 153670.
Bernard Soulier syndrome (BSS). Also called: BLEEDING DISORDER, PLATELET-TYPE, 1; Platelet Glycoprotein 1b, Deficiency of; GLYCOPROTEIN Ib, PLATELET, DEFICIENCY OF; VON WILLEBRAND FACTOR RECEPTOR DEFICIENCY; PLATELET GLYCOPROTEIN Ib DEFICIENCY; Giant platelet syndrome. Identifiers: Orphanet 274, MedGen C0005129, MeSH D001606, MONDO:0009276, OMIM 231200.
GP1BA-related disorder. Also called: GP1BA-related condition.

Allele frequency attached by ClinVar (database versions not stated): gnomAD exomes 0.10888; 1000 Genomes Project 30x 0.14507; ExAC 0.24011; gnomAD 0.39537 and 0.40426.

Submissions (6):

Blueprint Genetics
Classification: Likely benign. Last evaluated: 2024-11-28. Review status: criteria provided, single submitter. Criteria: ACMG Guidelines, 2015. Collection method: clinical testing. Allele origin: germline.

Mayo Clinic Laboratories, Mayo Clinic
Classification: Benign. Last evaluated: 2022-09-29. Review status: criteria provided, single submitter. Criteria: ACMG Guidelines, 2015. Collection method: clinical testing. Allele origin: germline. Observed: 249 variant alleles.

Fulgent Genetics
Classification: Benign for Bernard-Soulier syndrome, type A2, autosomal dominant; Pseudo von Willebrand disease; Bernard Soulier syndrome; Nonarteritic anterior ischemic optic neuropathy, susceptibility to. Last evaluated: 2021-11-03. Review status: criteria provided, single submitter. Criteria: ACMG Guidelines, 2015. Collection method: clinical testing. Allele origin: unknown.

GeneDx
Classification: Benign. Last evaluated: 2021-05-04. Review status: criteria provided, single submitter. Criteria: GeneDx Variant Classification Process June 2021. Collection method: clinical testing. Allele origin: germline. Affected: yes.

Genetic Services Laboratory, University of Chicago
Classification: Likely benign. Last evaluated: 2016-08-16. Review status: criteria provided, single submitter. Criteria: ACMG Guidelines, 2015. Collection method: clinical testing. Allele origin: germline. Affected: no.

PreventionGenetics, part of Exact Sciences
Classification: Benign for GP1BA-related condition. Last evaluated: 2024-06-16. Review status: no assertion criteria provided. Collection method: clinical testing. Allele origin: germline. Not counted in ClinVar's aggregate classification.
Comment: This variant is classified as benign based on ACMG/AMP sequence variant interpretation guidelines (Richards et al. 2015 PMID: 25741868, with internal and published modifications).

NM_000173.7(GP1BA):c.1322_1344del (p.Ser441fs)

Gene: GP1BA (glycoprotein Ib platelet subunit alpha; plus strand). Cytogenetic location: 17p13.2.
Variant type: Deletion.
Coding change: c.1322_1344del on transcript NM_000173.7 (MANE Select); coding-DNA positions 1322 to 1344, 23 bases deleted (CAGAGCCCGCCCCCAGCCCGACC).
Protein change: p.Ser441fs; shifts the reading frame from serine 441.
Molecular consequence: frameshift variant.
Genome position (GRCh38, 1-based): chr17:4,933,926-4,933,948, CAGAGCCCGCCCCCAGCCCGACC deleted. VCF-style (leftmost placement, unchanged base first): chr17-4933925-TCAGAGCCCGCCCCCAGCCCGACC-T. GRCh37 (hg19) VCF-style: chr17-4837220-TCAGAGCCCGCCCCCAGCCCGACC-T.
Other names: p.Ser441Tyrfs*49; c.1322_1344del23 (NM_000173.6); short protein forms S441fs.
Identifiers: ClinVar variation 435346 (VCV000435346.11), dbSNP rs770089708, ClinGen allele CA8314974.